The following is an entry in ClinVar:

ClinVar aggregate classification (germline): Conflicting classifications of pathogenicity. Review status: criteria provided, conflicting classifications (1 of 4 stars). 5 submissions from 5 submitters: Uncertain significance (1); Likely benign (3). 1 of the submissions does not count toward it. Last evaluated 2026-01-15.

Conditions:
Multiple mitochondrial dysfunctions syndrome 6. Identifiers: Orphanet 569290, MedGen C4693741, MONDO:0054785, OMIM 617954.
PMPCB-related disorder. Also called: PMPCB-related condition.
Inborn genetic diseases. Identifiers: MedGen C0950123, MeSH D030342.

Allele frequency attached by ClinVar (database versions not stated): 1000 Genomes Project 30x 0.00078; 1000 Genomes Project 0.00080; ExAC 0.00128; TOPMed 0.00136; gnomAD 0.00157 and 0.00172; ESP Exome Variant Server 0.00200.
gnomAD v4.1: 4,017 of 1,613,444 alleles (0.25%); highest among the groups gnomAD compares: Non-Finnish European, 0.3%; 10 homozygotes.

Submissions (5):

Labcorp Genetics (formerly Invitae), Labcorp
Classification: Likely benign. Last evaluated: 2026-01-15. Review status: criteria provided, single submitter. Criteria: Invitae Variant Classification Sherloc (09022015). Collection method: clinical testing. Allele origin: germline.

CeGaT Center for Human Genetics Tuebingen
Classification: Likely benign. Last evaluated: 2024-12-01. Review status: criteria provided, single submitter. Criteria: CeGaT Center For Human Genetics Tuebingen Variant Classification Criteria Version 2. Collection method: clinical testing. Allele origin: germline. Affected: yes. Observed: 2 variant alleles.
Comment: PMPCB: BP4

Ambry Genetics
Classification: Likely benign for Inborn genetic diseases. Last evaluated: 2024-05-23. Review status: criteria provided, single submitter. Criteria: Ambry Variant Classification Scheme 2023. Collection method: clinical testing. Allele origin: germline.

Victorian Clinical Genetics Services, Murdoch Childrens Research Institute
Classification: Uncertain significance for Multiple mitochondrial dysfunctions syndrome 6. Last evaluated: 2019-08-28. Review status: criteria provided, single submitter. Criteria: ACMG Guidelines, 2015. Collection method: clinical testing. Allele origin: germline. Inheritance: Autosomal recessive inheritance.
Comment: A heterozygous missense variant was identified, NM_004279.2(PMPCB):c.1336A>G in exon 12 of 13 of the PMPCB gene. This substitution is predicted to create a minor amino acid change from asparagine to aspartic acid at position 446 of the protein, NP_004270.2(PMPCB):p.(Asn446Asp). The asparagine at this position has low conservation (100 vertebrates, UCSC), and is located within the Pqql superfamily functional domain. In silico software predictions of the pathogenicity of this variant is conflicting (Polyphen, SIFT, CADD, Mutation Taster). The variant is present in the gnomAD population database at a frequency of 0.15%% (428 heterozygotes, 0 homozygotes). The variant has not been previously reported in a clinical case. Based on information available at the time of curation, this variant has been classified as a VARIANT of UNCERTAIN SIGNIFICANCE (VUS) with LOW CLINICAL RELEVANCE.

PreventionGenetics, part of Exact Sciences
Classification: Likely benign for PMPCB-related condition. Last evaluated: 2022-02-01. Review status: no assertion criteria provided. Collection method: clinical testing. Allele origin: germline. Not counted in ClinVar's aggregate classification.
Comment: This variant is classified as likely benign based on ACMG/AMP sequence variant interpretation guidelines (Richards et al. 2015 PMID: 25741868, with internal and published modifications).

NM_004279.3(PMPCB):c.1336A>G (p.Asn446Asp)

Gene: PMPCB (peptidase, mitochondrial processing subunit beta; plus strand). Cytogenetic location: 7q22.1.
Variant type: single nucleotide variant.
Coding change: c.1336A>G on transcript NM_004279.3 (MANE Select); coding-DNA position 1336, A replaced by G.
Protein change: p.Asn446Asp; replaces asparagine 446 with aspartic acid.
Molecular consequence: missense variant.
Genome position (GRCh38, 1-based): chr7:103,312,062, A>G. VCF-style: chr7-103312062-A-G. GRCh37 (hg19) VCF-style: chr7-102952509-A-G.
Other names: short protein forms N446D.
Identifiers: ClinVar variation 1299086 (VCV001299086.44), dbSNP rs144744182, ClinGen allele CA4418279.
Genomic context (GRCh38, chr7:103,312,062, plus strand): 5'-ATAGACTTTGTTTTTACTACAAACAGCTGAATGACAGTGTCTTCCATATTTCAGGCTGTG[A>G]ATGCTGAGACAATTCGAGAAGTATGTACCAAATACATTTATAATAGGAGTCCAGCTATTG-3'
Protein context (NP_004270.2, residues 436-456): PELEARIDAV[Asn446Asp]AETIREVCTK